The following is an entry in ClinVar:

ClinVar aggregate classification (germline): Uncertain significance. Review status: criteria provided, multiple submitters, no conflicts (2 of 4 stars). 2 submissions from 2 submitters: Uncertain significance (2). Last evaluated 2022-04-07.

Submissions (2):

Labcorp Genetics (formerly Invitae), Labcorp
Classification: Uncertain significance. Last evaluated: 2022-04-07. Review status: criteria provided, single submitter. Criteria: Invitae Variant Classification Sherloc (09022015). Collection method: clinical testing. Allele origin: germline.
Comment: In summary, the available evidence is currently insufficient to determine the role of this variant in disease. Therefore, it has been classified as a Variant of Uncertain Significance. Experimental studies and prediction algorithms are not available or were not evaluated, and the functional significance of this variant is currently unknown. This variant has not been reported in the literature in individuals affected with KRT10-related conditions. This variant is present in population databases (rs753095095, gnomAD 0.002%). This variant, c.1443_1457del, results in the deletion of 5 amino acid(s) of the KRT10 protein (p.Ser482_Gly486del), but otherwise preserves the integrity of the reading frame.

Breakthrough Genomics
Classification: Uncertain significance. Review status: criteria provided, single submitter. Criteria: ACMG Guidelines, 2015. Collection method: not provided. Allele origin: germline. Inheritance: Autosomal recessive inheritance. Affected: yes.

NM_000421.5(KRT10):c.1428AAGCTCCGGCGGCGG[1] (p.477SSGGG[1])

Gene: KRT10 (keratin 10; minus strand). Cytogenetic location: 17q21.2.
Variant type: Microsatellite.
Coding change: c.1428AAGCTCCGGCGGCGG[1] on transcript NM_000421.5 (MANE Select); one copy of the 15-base unit AAGCTCCGGCGGCGG starting at c.1428; the reference has two copies in a row; one copy, 15 bases deleted.
Protein change: p.477SSGGG[1].
Molecular consequence: inframe deletion.
Genome position (GRCh38, 1-based): chr17:40,819,078-40,819,092, CCGCCGCCGGAGCTT deleted on the plus strand (AAGCTCCGGCGGCGG on the coding strand, the reverse complement: KRT10 is on the minus strand); deleting any 15 consecutive bases within chr17:40,819,078-40,819,116 gives the same sequence; the position shown is the placement nearest the transcript's 3' end. VCF-style (leftmost placement, unchanged base first): chr17-40819077-GCCGCCGCCGGAGCTT-G. GRCh37 (hg19) VCF-style: chr17-38975329-GCCGCCGCCGGAGCTT-G.
Other names: c.1428AAGCTCCGGCGGCGG[1], p.477SSGGG[1] (NM_001379366.1).
Identifiers: ClinVar variation 1374060 (VCV001374060.7), dbSNP rs753095095, ClinGen allele CA8548031.